The following is an entry in ClinVar:

ClinVar aggregate classification (germline): Uncertain significance (1 of 4 stars; one submission).

Conditions:
Dilated cardiomyopathy 1G (CMD1G). Identifiers: Orphanet 154, MedGen C1858763, MONDO:0011400, OMIM 604145.
Autosomal recessive limb-girdle muscular dystrophy type 2J (LGMDR10). Also called: Limb-girdle muscular dystrophy, type 2J; MUSCULAR DYSTROPHY, LIMB-GIRDLE, AUTOSOMAL RECESSIVE 10. Identifiers: Orphanet 140922, MedGen C1837342, MONDO:0012127, OMIM 608807.

Submission:

Labcorp Genetics (formerly Invitae), Labcorp
Classification: Uncertain significance for Dilated cardiomyopathy 1G; Autosomal recessive limb-girdle muscular dystrophy type 2J. Last evaluated: 2023-08-14. Review status: criteria provided, single submitter. Criteria: Invitae Variant Classification Sherloc (09022015). Collection method: clinical testing. Allele origin: germline.
Comment: This sequence change replaces leucine, which is neutral and non-polar, with phenylalanine, which is neutral and non-polar, at codon 34068 of the TTN protein (p.Leu34068Phe). This variant is not present in population databases (gnomAD no frequency). This variant has not been reported in the literature in individuals affected with TTN-related conditions. ClinVar contains an entry for this variant (Variation ID: 655910). Experimental studies and prediction algorithms are not available or were not evaluated, and the functional significance of this variant is currently unknown. This variant is located in the M band of TTN (PMID: 25589632). Variants in this region may be relevant for neuromuscular disorders, but have not been definitively shown to cause cardiomyopathy (PMID: 23975875). In summary, the available evidence is currently insufficient to determine the role of this variant in disease. Therefore, it has been classified as a Variant of Uncertain Significance.

Literature cited by the submitters: PubMed 25589632; PubMed 23975875.

NM_001267550.2(TTN):c.102202C>T (p.Leu34068Phe)

Genes: TTN (titin; minus strand), TTN-AS1 (TTN antisense RNA 1; plus strand). Cytogenetic location: 2q31.2.
Variant type: single nucleotide variant.
Coding change: c.102202C>T on transcript NM_001267550.2 (MANE Select); coding-DNA position 102202, C replaced by T.
Protein change: p.Leu34068Phe; replaces leucine 34068 with phenylalanine.
Molecular consequence: missense variant.
Genome position (GRCh38, 1-based): chr2:178,534,413, G>A on the plus strand (C>T on the coding strand, the complement: TTN is on the minus strand). VCF-style: chr2-178534413-G-A. GRCh37 (hg19) VCF-style: chr2-179399140-G-A.
Other names: c.97279C>T, p.Leu32427Phe (NM_001256850.1); c.75007C>T, p.Leu25003Phe (NM_003319.4); c.94498C>T, p.Leu31500Phe (NM_133378.4); c.75382C>T, p.Leu25128Phe (NM_133432.3); c.75583C>T, p.Leu25195Phe (NM_133437.4); short protein forms L25128F, L25195F, L34068F, L25003F, L31500F, L32427F.
Identifiers: ClinVar variation 655910 (VCV000655910.7), dbSNP rs999356407, ClinGen allele CA60959395.